The following is an entry in ClinVar:

NM_000516.7(GNAS):c.432+1G>A

Gene: GNAS (GNAS complex locus; plus strand). Cytogenetic location: 20q13.32.
Variant type: single nucleotide variant.
Coding change: c.432+1G>A on transcript NM_000516.7 (MANE Select); the canonical splice donor site of the intron after coding-DNA position 432, G replaced by A.
Molecular consequence: splice donor variant.
Genome position (GRCh38, 1-based): chr20:58,903,792, G>A. VCF-style: chr20-58903792-G-A. GRCh37 (hg19) VCF-style: chr20-57478847-G-A.
Other names: c.*338+1G>A (NM_016592.5); c.336+1G>A (NM_001410912.1); c.255+1G>A (NM_001309861.2, NM_001309840.2); c.*293+1G>A (NM_001077490.3); c.2361+1G>A (NM_080425.4); c.2316+1G>A (NM_001410913.1); c.435+1G>A (NM_001077488.5); c.390+1G>A (NM_080426.4); and 2 more.
Identifiers: ClinVar variation 446491 (VCV000446491.19), dbSNP rs1555889131, ClinGen allele CA409450720.

ClinVar aggregate classification (germline): Pathogenic. Review status: criteria provided, multiple submitters, no conflicts (2 of 4 stars). 9 submissions from 9 submitters: Pathogenic (8). 1 of the submissions does not count toward it. Last evaluated 2025-07-28.

Conditions:
Inborn genetic diseases. Identifiers: MedGen C0950123, MeSH D030342.
GNAS-related disorder. Identifiers: MedGen CN380105.
Pseudopseudohypoparathyroidism (PPHP). Also called: Pseudopseudohypoparathyroidism (PPHP); ALBRIGHT HEREDITARY OSTEODYSTROPHY WITHOUT MULTIPLE HORMONE RESISTANCE. Identifiers: Orphanet 79445, MedGen C0033835, MONDO:0012912, OMIM 612463.

Submissions (10):

3billion
Classification: Pathogenic for GNAS-related disorder. Last evaluated: 2025-07-28. Review status: criteria provided, single submitter. Criteria: ACMG Guidelines, 2015. Collection method: clinical testing. Allele origin: germline. Affected: yes.
Comment: The variant is not observed in the gnomAD v4.1.0 dataset. Predicted Consequence/Location: Canonical splice site: predicted to alter splicing and result in a loss or disruption of normal protein function. Multiple pathogenic loss-of-function variants are reported downstream of the variant. In silico tools predict the variant to alter splicing and produce an abnormal transcript [SpliceAI: 0.93 (spliceogenicity >=0.2, non-spliceogenicity <0.1)]. The variant has been reported at least twice as pathogenic with clinical assertions and evidence for the classification (ClinVar ID: VCV000446491 /PMID: 7853365 /3billion dataset). Therefore, this variant is classified as Pathogenic according to the recommendation of ACMG/AMP guideline.

Labcorp Genetics (formerly Invitae), Labcorp
Classification: Pathogenic. Last evaluated: 2025-07-13. Review status: criteria provided, single submitter. Criteria: Invitae Variant Classification Sherloc (09022015). Collection method: clinical testing. Allele origin: germline.
Comment: This sequence change affects a donor splice site in intron 5 of the GNAS gene. It is expected to disrupt RNA splicing. Variants that disrupt the donor or acceptor splice site typically lead to a loss of protein function (PMID: 16199547), and loss-of-function variants in GNAS are known to be pathogenic (PMID: 11784876, 23281139, 23796510, 25802881). This variant is not present in population databases (gnomAD no frequency). Disruption of this splice site has been observed in individual(s) with pseudopseudohypoparathyroidism (PMID: 7853365). In at least one individual the variant was observed to be de novo. ClinVar contains an entry for this variant (Variation ID: 446491). Algorithms developed to predict the effect of sequence changes on RNA splicing suggest that this variant may disrupt the consensus splice site. For these reasons, this variant has been classified as Pathogenic.

Department of Genetics, Rouen University Hospital, Normandy Center for Genomic and Personalized Medicine
Classification: Pathogenic for Pseudopseudohypoparathyroidism. Last evaluated: 2025-05-21. Review status: criteria provided, single submitter. Criteria: ACMG Guidelines, 2015. Collection method: clinical testing. Allele origin: de novo. Affected: yes.

Blueprint Genetics
Classification: Pathogenic for GNAS-related disorders. Last evaluated: 2023-11-14. Review status: criteria provided, single submitter. Criteria: ACMG Guidelines, 2015. Collection method: clinical testing. Allele origin: germline. Affected: yes. Observed: 3 variant alleles.

GeneDx
Classification: Pathogenic. Last evaluated: 2023-09-01. Review status: criteria provided, single submitter. Criteria: GeneDx Variant Classification Process June 2021. Collection method: clinical testing. Allele origin: germline. Affected: yes.
Comment: Canonical splice site variant predicted to result in an in-frame loss of the adjacent exon in a gene for which loss of function is a known mechanism of disease; Not observed at significant frequency in large population cohorts (gnomAD); This variant is associated with the following publications: (PMID: 29072892, 23281139, 25525159, 23884777, 31624069, 30577886, 31019026, 31886927, 25802881, 7853365, 35296306)

Baylor Genetics
Classification: Pathogenic for Pseudopseudohypoparathyroidism. Last evaluated: 2023-05-08. Review status: criteria provided, single submitter. Criteria: ACMG Guidelines, 2015. Collection method: clinical testing. Allele origin: unknown.

Rady Children's Institute for Genomic Medicine, Rady Children's Hospital San Diego
Classification: Pathogenic for Pseudopseudohypoparathyroidism. Last evaluated: 2017-12-20. Review status: criteria provided, single submitter. Criteria: ACMG Guidelines, 2015. Collection method: clinical testing. Allele origin: de novo. Inheritance: Autosomal dominant inheritance. Affected: yes.
Comment: The c.2361+1G>A splice-site variant affects the canonical splice donor site of intron 5 and is thus predicted to be a loss of function mutation. It has been reported as a de novo heterozygous change in a patient with pseudopseudohypoparathyroidism (Wilson et al, 1997) and is absent from the ExAC and gnomAD population databases. However, low level parental mosaicism cannot be excluded. Based on the combined evidence, c.2361+1G>A is classified as a pathogenic variant.

Ambry Genetics
Classification: Pathogenic for Inborn genetic diseases. Last evaluated: 2016-08-29. Review status: criteria provided, single submitter. Criteria: Ambry exome assertion method (8-5-2015). Collection method: clinical testing. Allele origin: germline. Affected: yes. Observed: 1 variant allele.

Dr. Peter K. Rogan Lab, Western University
No classification provided (evidence only). Condition: Gastric cancer. Review status: no classification provided. Collection method: in vitro. Allele origin: not applicable. Functional consequence: retained intron. Not counted in ClinVar's aggregate classification.

GeneReviews
No classification provided. Condition: Pseudopseudohypoparathyroidism. Review status: no classification provided. Collection method: literature only. Allele origin: germline. Not counted in ClinVar's aggregate classification.

Literature cited by the submitters: PubMed 7853365 (cited by 3 submitters); PubMed 16199547 (cited by Labcorp Genetics (formerly Invitae), Labcorp); PubMed 11784876 (cited by Labcorp Genetics (formerly Invitae), Labcorp); PubMed 23281139 (cited by Labcorp Genetics (formerly Invitae), Labcorp); PubMed 23796510 (cited by Labcorp Genetics (formerly Invitae), Labcorp); PubMed 25802881 (cited by 3 submitters); PubMed 12624854 (cited by Ambry Genetics); PubMed 29072892 (cited by GeneReviews).